The following is an entry in ClinVar:

ClinVar aggregate classification (germline): Benign/Likely benign. Review status: criteria provided, multiple submitters, no conflicts (2 of 4 stars). 5 submissions from 5 submitters: Benign (1); Likely benign (2). 2 of the submissions do not count toward it. Last evaluated 2026-01-27.

Conditions:
MAPKBP1-related disorder. Also called: MAPKBP1-related condition.
Inborn genetic diseases. Identifiers: MedGen C0950123, MeSH D030342.

Allele frequency attached by ClinVar (database versions not stated): 1000 Genomes Project 0.00180; 1000 Genomes Project 30x 0.00187; gnomAD 0.00210 and 0.00230; ESP Exome Variant Server 0.00215; TOPMed 0.00243.
gnomAD v4.1: 587 of 1,614,210 alleles (0.036%); highest among the groups gnomAD compares: African/African-American, 0.68%; 2 homozygotes.

Submissions (5):

Labcorp Genetics (formerly Invitae), Labcorp
Classification: Benign. Last evaluated: 2026-01-27. Review status: criteria provided, single submitter. Criteria: Invitae Variant Classification Sherloc (09022015). Collection method: clinical testing. Allele origin: germline.

Mayo Clinic Laboratories, Mayo Clinic
Classification: Likely benign. Last evaluated: 2025-10-12. Review status: criteria provided, single submitter. Criteria: ACMG Guidelines, 2015. Collection method: clinical testing. Allele origin: germline. Observed: 2 variant alleles.
Comment: BS1, BP4

Ambry Genetics
Classification: Likely benign for Inborn genetic diseases. Last evaluated: 2025-06-03. Review status: criteria provided, single submitter. Criteria: Ambry Variant Classification Scheme 2023. Collection method: clinical testing. Allele origin: germline.

Genetic Services Laboratory, University of Chicago
Classification: Likely benign. Last evaluated: 2022-09-13. Review status: no assertion criteria provided. Collection method: clinical testing. Allele origin: germline. Affected: no. Not counted in ClinVar's aggregate classification.

PreventionGenetics, part of Exact Sciences
Classification: Likely benign for MAPKBP1-related condition. Last evaluated: 2019-05-03. Review status: no assertion criteria provided. Collection method: clinical testing. Allele origin: germline. Not counted in ClinVar's aggregate classification.
Comment: This variant is classified as likely benign based on ACMG/AMP sequence variant interpretation guidelines (Richards et al. 2015 PMID: 25741868, with internal and published modifications).

NM_014994.3(MAPKBP1):c.1420G>A (p.Val474Met)

Gene: MAPKBP1 (mitogen-activated protein kinase binding protein 1; plus strand). Cytogenetic location: 15q15.1.
Variant type: single nucleotide variant.
Coding change: c.1420G>A on transcript NM_014994.3 (MANE Select); coding-DNA position 1420, G replaced by A.
Protein change: p.Val474Met; replaces valine 474 with methionine.
Molecular consequence: missense variant. On other transcripts: non-coding transcript variant (2).
Genome position (GRCh38, 1-based): chr15:41,815,726, G>A. VCF-style: chr15-41815726-G-A. GRCh37 (hg19) VCF-style: chr15-42107924-G-A.
Other names: p.Val480Met; c.1438G>A, p.Val480Met (NM_001128608.2); c.1420G>A, p.Val474Met (NM_001265611.2); short protein forms V480M, V474M.
Identifiers: ClinVar variation 733747 (VCV000733747.14), dbSNP rs142978237, ClinGen allele CA7497825.